The following is an entry in ClinVar:

ClinVar aggregate classification (germline): Uncertain significance (1 of 4 stars; one submission).

Conditions:
Inborn genetic diseases. Identifiers: MedGen C0950123, MeSH D030342.

Submission:

Ambry Genetics
Classification: Uncertain significance for Inborn genetic diseases. Last evaluated: 2025-01-11. Review status: criteria provided, single submitter. Criteria: Ambry Variant Classification Scheme 2023. Collection method: clinical testing. Allele origin: germline.
Comment: The p.Q604K variant (also known as c.1810C>A), located in coding exon 1 of the SAMD9 gene, results from a C to A substitution at nucleotide position 1810. The glutamine at codon 604 is replaced by lysine, an amino acid with similar properties. This amino acid position is conserved. In addition, this alteration is predicted to be tolerated by in silico analysis. Based on the available evidence, the clinical significance of this variant remains unclear.

NM_017654.4(SAMD9):c.1810C>A (p.Gln604Lys)

Gene: SAMD9 (sterile alpha motif domain containing 9; minus strand). Cytogenetic location: 7q21.2.
Variant type: single nucleotide variant.
Coding change: c.1810C>A on transcript NM_017654.4 (MANE Select); coding-DNA position 1810, C replaced by A.
Protein change: p.Gln604Lys; replaces glutamine 604 with lysine.
Molecular consequence: missense variant.
Genome position (GRCh38, 1-based): chr7:93,104,288, G>T on the plus strand (C>A on the coding strand, the complement: SAMD9 is on the minus strand). VCF-style: chr7-93104288-G-T. GRCh37 (hg19) VCF-style: chr7-92733601-G-T.
Other names: c.1810C>A, p.Gln604Lys (NM_001193307.2); short protein forms Q604K.
Identifiers: ClinVar variation 3791994 (VCV003791994.1).